The following is an entry in ClinVar:

ClinVar aggregate classification (germline): Conflicting classifications of pathogenicity. Review status: criteria provided, conflicting classifications (1 of 4 stars). 3 submissions from 3 submitters: Pathogenic (1); Uncertain significance (2). Last evaluated 2025-05-28.

Conditions:
Duchenne muscular dystrophy (DMD). Also called: Duchenne Muscular Dystrophy (DMD); MUSCULAR DYSTROPHY, PSEUDOHYPERTROPHIC PROGRESSIVE, DUCHENNE TYPE. Identifiers: Orphanet 98896, MedGen C0013264, MONDO:0010679, OMIM 310200.

Submissions (3):

Labcorp Genetics (formerly Invitae), Labcorp
Classification: Pathogenic for Duchenne muscular dystrophy. Last evaluated: 2025-05-28. Review status: criteria provided, single submitter. Criteria: Invitae Variant Classification Sherloc (09022015). Collection method: clinical testing. Allele origin: germline.
Comment: This sequence change falls in intron 31 of the DMD gene. It does not directly change the encoded amino acid sequence of the DMD protein. RNA analysis indicates that this variant induces altered splicing and may result in an absent or altered protein product. This variant is not present in population databases (gnomAD no frequency). This variant has been observed in individual(s) with Duchenne muscular dystrophy (PMID: 31443951). In at least one individual the variant was observed to be de novo. ClinVar contains an entry for this variant (Variation ID: 94621). Studies have shown that this variant results in activation of a cryptic splice site, and produces a non-functional protein and/or introduces a premature termination codon (PMID: 31443951). For these reasons, this variant has been classified as Pathogenic.

Revvity Omics, Revvity
Classification: Uncertain significance. Last evaluated: 2022-04-25. Review status: criteria provided, single submitter. Criteria: ACMG Guidelines, 2015. Collection method: clinical testing. Allele origin: germline.

Eurofins Ntd Llc (ga)
Classification: Uncertain significance. Last evaluated: 2013-02-06. Review status: criteria provided, single submitter. Criteria: EGL Classification Definitions 2015. Collection method: clinical testing. Allele origin: germline. Observed: 2 variant alleles, 2 hemizygotes.

Literature cited by the submitters: PubMed 31443951 (cited by Labcorp Genetics (formerly Invitae), Labcorp).

NM_004006.3(DMD):c.4345-12C>G

Gene: DMD (dystrophin; minus strand). Cytogenetic location: Xp21.1.
Variant type: single nucleotide variant.
Coding change: c.4345-12C>G on transcript NM_004006.3 (MANE Select); 12 bases into the intron before coding-DNA position 4345, C replaced by G.
Molecular consequence: intron variant.
Genome position (GRCh38, 1-based): chrX:32,389,686, G>C on the plus strand (C>G on the coding strand, the complement: DMD is on the minus strand). VCF-style: chrX-32389686-G-C. GRCh37 (hg19) VCF-style: chrX-32407803-G-C.
Other names: c.4321-12C>G (NM_000109.4); c.322-12C>G (NM_004011.4); c.313-12C>G (NM_004012.4); c.4333-12C>G (NM_004009.3); c.3976-12C>G (NM_004010.3).
Identifiers: ClinVar variation 94621 (VCV000094621.9), dbSNP rs398123951, ClinGen allele CA222396.
Genomic context (GRCh38, chrX:32,389,686, plus strand): 5'-CTGGTTTCTGGAATAATCGAAACTTCATGGAGACATCTTGTAATTTTTTCTGTAAGGACA[G>C]TGTAAAAAGGCACTGATTTAATTTTGCCTTTCAAACAATAACTGGTCCTATTTTTATTGA-3'